The following is an entry in ClinVar:

NM_052934.4(SLC26A9):c.2055+15A>G

Gene: SLC26A9 (solute carrier family 26 member 9; minus strand). Cytogenetic location: 1q32.1.
Variant type: single nucleotide variant.
Coding change: c.2055+15A>G on transcript NM_052934.4 (MANE Select); 15 bases into the intron after coding-DNA position 2055, A replaced by G.
Molecular consequence: intron variant.
Genome position (GRCh38, 1-based): chr1:205,921,551, T>C on the plus strand (A>G on the coding strand, the complement: SLC26A9 is on the minus strand). VCF-style: chr1-205921551-T-C. GRCh37 (hg19) VCF-style: chr1-205890679-T-C.
Other names: c.2055+15A>G (NM_134325.3).
Identifiers: ClinVar variation 403454 (VCV000403454.5), dbSNP rs12759719, ClinGen allele CA1358355.

ClinVar aggregate classification (germline): Benign. Review status: criteria provided, multiple submitters, no conflicts (2 of 4 stars). 2 submissions from 2 submitters: Benign (2). Last evaluated 2016-03-29.

Allele frequency attached by ClinVar (database versions not stated): ESP Exome Variant Server 0.90427; gnomAD exomes 0.90613 and 0.91551; gnomAD 0.91106 and 0.91123; 1000 Genomes Project 30x 0.91287; TOPMed 0.91374; 1000 Genomes Project 0.91414; ExAC 0.91504.
gnomAD v4.1: 1,449,793 of 1,599,470 alleles (91%); highest among the groups gnomAD compares: Admixed American, 94%; 657,383 homozygotes.

Submissions (2):

Laboratory for Molecular Medicine, Mass General Brigham Personalized Medicine
Classification: Benign. Last evaluated: 2016-03-29. Review status: criteria provided, single submitter. Criteria: LMM Criteria. Collection method: clinical testing. Allele origin: germline.
Comment: Variant identified in a genome or exome case(s) and assessed due to predicted null impact of the variant or pathogenic assertions in the literature or databases. Disclaimer: This variant has not undergone full assessment. The following are preliminary notes: Frequency

Breakthrough Genomics
Classification: Benign. Review status: criteria provided, single submitter. Criteria: ACMG Guidelines, 2015. Collection method: not provided. Allele origin: germline. Inheritance: Unknown mechanism. Affected: yes.